The following is an entry in ClinVar:

NM_152564.5(VPS13B):c.6068C>G (p.Ser2023Ter)

Gene: VPS13B (vacuolar protein sorting 13 homolog B; plus strand). Cytogenetic location: 8q22.2.
Variant type: single nucleotide variant.
Coding change: c.6068C>G on transcript NM_152564.5 (MANE Select); coding-DNA position 6068, C replaced by G.
Protein change: p.Ser2023Ter; replaces serine 2023 with a stop codon.
Molecular consequence: nonsense.
Genome position (GRCh38, 1-based): chr8:99,699,546, C>G. VCF-style: chr8-99699546-C-G. GRCh37 (hg19) VCF-style: chr8-100711774-C-G.
Other names: c.6143C>G, p.Ser2048Ter (NM_017890.5); short protein forms S2023*, S2048*.
Identifiers: ClinVar variation 2777268 (VCV002777268.3), dbSNP rs2491483344, ClinGen allele CA371873850.

ClinVar aggregate classification (germline): Pathogenic (1 of 4 stars; one submission).

Conditions:
Cohen syndrome (COH1). Also called: PEPPER SYNDROME; Cutis verticis gyrata, retinitis pigmentosa, and sensorineural deafness. Identifiers: Orphanet 193, MedGen C0265223, MONDO:0008999, OMIM 216550.

Submission:

Labcorp Genetics (formerly Invitae), Labcorp
Classification: Pathogenic for Cohen syndrome. Last evaluated: 2023-07-25. Review status: criteria provided, single submitter. Criteria: Invitae Variant Classification Sherloc (09022015). Collection method: clinical testing. Allele origin: germline.
Comment: For these reasons, this variant has been classified as Pathogenic. This sequence change creates a premature translational stop signal (p.Ser2048*) in the VPS13B gene. It is expected to result in an absent or disrupted protein product. Loss-of-function variants in VPS13B are known to be pathogenic (PMID: 15141358, 16648375, 20461111). This variant is not present in population databases (gnomAD no frequency). This variant has not been reported in the literature in individuals affected with VPS13B-related conditions.

Literature cited by the submitters: PubMed 15141358; PubMed 16648375; PubMed 20461111.